The following is an entry in ClinVar:

ClinVar aggregate classification (germline): Pathogenic (1 of 4 stars; one submission).

Conditions:
Hereditary cancer-predisposing syndrome. Also called: Neoplastic Syndromes, Hereditary; Tumor predisposition; Hereditary Cancer Syndrome; Hereditary neoplastic syndrome. Identifiers: Orphanet 140162, MedGen C0027672, MeSH D009386, MONDO:0015356.

Submission:

Ambry Genetics
Classification: Pathogenic for Hereditary cancer-predisposing syndrome. Last evaluated: 2025-10-09. Review status: criteria provided, single submitter. Criteria: Ambry Variant Classification Scheme 2023. Collection method: clinical testing. Allele origin: germline.
Comment: The c.4735delC pathogenic mutation, located in coding exon 30 of the ATM gene, results from a deletion of one nucleotide at nucleotide position 4735, causing a translational frameshift with a predicted alternate stop codon (p.Q1579Kfs*22). This variant is considered to be rare based on population cohorts in the Genome Aggregation Database (gnomAD). This alteration is expected to result in loss of function by premature protein truncation or nonsense-mediated mRNA decay. As such, this alteration is interpreted as a disease-causing mutation.

NM_000051.4(ATM):c.4735del (p.Gln1579fs)

Gene: ATM (ATM serine/threonine kinase; plus strand). Cytogenetic location: 11q22.3.
Variant type: Deletion.
Coding change: c.4735del on transcript NM_000051.4 (MANE Select); coding-DNA position 4735, one base deleted (C; older notation c.4735delC).
Protein change: p.Gln1579fs; shifts the reading frame from glutamine 1579.
Molecular consequence: frameshift variant.
Genome position (GRCh38, 1-based): chr11:108,293,436, C deleted. VCF-style (leftmost placement, unchanged base first): chr11-108293435-GC-G. GRCh37 (hg19) VCF-style: chr11-108164162-GC-G.
Other names: c.4735del, p.Gln1579fs (NM_001351834.2); short protein forms Q1579fs.
Identifiers: ClinVar variation 4617458 (VCV004617458.1).
Genomic context (GRCh38, chr11:108,293,435, plus strand): 5'-GATTAAGCTTTTAGATCCTTTTCCTGACCATGTTGTTTTTAAGGATTTGCGTATTACTCA[GC>G]AAAAAATCAAATACAGTAGAGGACCCTTTTCACTCTTGGAGGTAATAAAAATTTCATCAT-3'